The following is an entry in ClinVar:

ClinVar aggregate classification (germline): Uncertain significance (1 of 4 stars; one submission).

Conditions:
Neurofibromatosis, type 1 (NF1). Also called: NEUROFIBROMATOSIS, TYPE I, SOMATIC; VON RECKLINGHAUSEN DISEASE; Peripheral type neurofibromatosis; Neurofibromatosis, type I. Identifiers: Orphanet 636, MedGen C0027831, MONDO:0018975, OMIM 162200. Disease mechanism: loss of function.

Submission:

Labcorp Genetics (formerly Invitae), Labcorp
Classification: Uncertain significance for Neurofibromatosis, type 1. Last evaluated: 2021-11-19. Review status: criteria provided, single submitter. Criteria: Invitae Variant Classification Sherloc (09022015). Collection method: clinical testing. Allele origin: germline.
Comment: In summary, the available evidence is currently insufficient to determine the role of this variant in disease. Therefore, it has been classified as a Variant of Uncertain Significance. Advanced modeling of protein sequence and biophysical properties (such as structural, functional, and spatial information, amino acid conservation, physicochemical variation, residue mobility, and thermodynamic stability) performed at Invitae indicates that this missense variant is not expected to disrupt NF1 protein function. This variant has not been reported in the literature in individuals affected with NF1-related conditions. This variant is not present in population databases (gnomAD no frequency). This sequence change replaces lysine, which is basic and polar, with asparagine, which is neutral and polar, at codon 2279 of the NF1 protein (p.Lys2279Asn).

NM_001042492.3(NF1):c.6900A>T (p.Lys2300Asn)

Gene: NF1 (neurofibromin 1; plus strand). Cytogenetic location: 17q11.2.
Variant type: single nucleotide variant.
Coding change: c.6900A>T on transcript NM_001042492.3 (MANE Select); coding-DNA position 6900, A replaced by T.
Protein change: p.Lys2300Asn; replaces lysine 2300 with asparagine.
Molecular consequence: missense variant.
Genome position (GRCh38, 1-based): chr17:31,338,784, A>T. VCF-style: chr17-31338784-A-T. GRCh37 (hg19) VCF-style: chr17-29665802-A-T.
Other names: c.6837A>T, p.Lys2279Asn (NM_000267.4); short protein forms K2300N, K2279N.
Identifiers: ClinVar variation 1445029 (VCV001445029.6), dbSNP rs786203861, ClinGen allele CA399014412.